The following is an entry in ClinVar:

NM_198525.3(KIF7):c.787G>T (p.Gly263Cys)

Gene: KIF7 (kinesin family member 7; minus strand). Cytogenetic location: 15q26.1.
Variant type: single nucleotide variant.
Coding change: c.787G>T on transcript NM_198525.3 (MANE Select); coding-DNA position 787, G replaced by T.
Protein change: p.Gly263Cys; replaces glycine 263 with cysteine.
Molecular consequence: missense variant.
Genome position (GRCh38, 1-based): chr15:89,649,110, C>A on the plus strand (G>T on the coding strand, the complement: KIF7 is on the minus strand). VCF-style: chr15-89649110-C-A. GRCh37 (hg19) VCF-style: chr15-90192341-C-A.
Other names: short protein forms G263C.
Identifiers: ClinVar variation 1033267 (VCV001033267.2), dbSNP rs1169060633, ClinGen allele CA393774706.
Genomic context (GRCh38, chr15:89,649,110, plus strand): 5'-CCAGCGCCAGGAGGCTGCTGTTGATCTGGATGCTCTCCTTGAGCCGCTCGCCGGTGCTGC[C>A]CGTCTTGAGCACCCTCTCTGAGCCCGCCAGGTCCACGAAGTGGAACTTGGAGACGAGCAG-3'
Protein context (NP_940927.2, residues 253-273): LAGSERVLKT[Gly263Cys]STGERLKESI

ClinVar aggregate classification (germline): Uncertain significance. Review status: criteria provided, multiple submitters, no conflicts (2 of 4 stars). 2 submissions from 2 submitters: Uncertain significance (2). Last evaluated 2025-01-01.

Conditions:
Inborn genetic diseases. Identifiers: MedGen C0950123, MeSH D030342.
Multiple epiphyseal dysplasia, Al-Gazali type. Also called: Macrocephaly with multiple epiphyseal dysplasia and distinctive facies. Identifiers: Orphanet 166024, MedGen C1846722, MONDO:0011778, OMIM 607131.

Allele frequency attached by ClinVar (database versions not stated): TOPMed below 0.00001; gnomAD 0.00001; gnomAD exomes 0.00001 and 0.00002.
gnomAD v4.1: 24 of 1,547,760 alleles (0.0016%); highest among the groups gnomAD compares: Non-Finnish European, 0.002%; no homozygotes.

Submissions (2):

Ambry Genetics
Classification: Uncertain significance for Inborn genetic diseases. Last evaluated: 2025-01-01. Review status: criteria provided, single submitter. Criteria: Ambry Variant Classification Scheme 2023. Collection method: clinical testing. Allele origin: germline.

Baylor Genetics
Classification: Uncertain significance for Multiple epiphyseal dysplasia, Al-Gazali type. Last evaluated: 2018-02-16. Review status: criteria provided, single submitter. Criteria: ACMG Guidelines, 2015. Collection method: clinical testing. Allele origin: maternal. Affected: yes.
Comment: This variant was determined to be of uncertain significance according to ACMG Guidelines, 2015 [PMID:25741868].